The following is an entry in ClinVar:

ClinVar aggregate classification (germline): Uncertain significance (1 of 4 stars; one submission).

Allele frequency attached by ClinVar (database versions not stated): gnomAD exomes below 0.00001; TOPMed below 0.00001.
gnomAD v4.1: 5 of 1,598,472 alleles (0.00031%); highest among the groups gnomAD compares: Non-Finnish European, 0.00034%; no homozygotes.

Submission:

Labcorp Genetics (formerly Invitae), Labcorp
Classification: Uncertain significance. Last evaluated: 2020-03-29. Review status: criteria provided, single submitter. Criteria: Invitae Variant Classification Sherloc (09022015). Collection method: clinical testing. Allele origin: germline.
Comment: This variant is not present in population databases (ExAC no frequency). This variant has not been reported in the literature in individuals with SZT2-related conditions. Algorithms developed to predict the effect of missense changes on protein structure and function are either unavailable or do not agree on the potential impact of this missense change (SIFT: "Deleterious"; PolyPhen-2: "Possibly Damaging"; Align-GVGD: "Class C0"). In summary, the available evidence is currently insufficient to determine the role of this variant in disease. Therefore, it has been classified as a Variant of Uncertain Significance. This sequence change replaces glutamic acid with lysine at codon 460 of the SZT2 protein (p.Glu460Lys). The glutamic acid residue is weakly conserved and there is a small physicochemical difference between glutamic acid and lysine.

NM_001365999.1(SZT2):c.1378G>A (p.Glu460Lys)

Gene: SZT2 (SZT2 subunit of KICSTOR complex; plus strand). Cytogenetic location: 1p34.2.
Variant type: single nucleotide variant.
Coding change: c.1378G>A on transcript NM_001365999.1 (MANE Select); coding-DNA position 1378, G replaced by A.
Protein change: p.Glu460Lys; replaces glutamic acid 460 with lysine.
Molecular consequence: missense variant.
Genome position (GRCh38, 1-based): chr1:43,420,865, G>A. VCF-style: chr1-43420865-G-A. GRCh37 (hg19) VCF-style: chr1-43886536-G-A.
Other names: c.1378G>A, p.Glu460Lys (NM_015284.4); short protein forms E460K.
Identifiers: ClinVar variation 1000411 (VCV001000411.9), dbSNP rs1652271059, ClinGen allele CA340007471.
Genomic context (GRCh38, chr1:43,420,865, plus strand): 5'-GAGTATGTGGCTATGGCACCCTGGCCCCTGGAGCCTGAGGGCCCTCGAGTAACACGGGTG[G>A]AAGTGACGATGGAAGGCGGCTACGACATTTTGCATGATGTGTCCTGTGCACTAAGGCAGC-3'
Protein context (NP_001352928.1, residues 450-470): EPEGPRVTRV[Glu460Lys]VTMEGGYDIL